The following is an entry in ClinVar:

ClinVar aggregate classification (germline): Uncertain significance (1 of 4 stars; one submission).

Conditions:
Hereditary cancer-predisposing syndrome. Also called: Neoplastic Syndromes, Hereditary; Tumor predisposition; Hereditary neoplastic syndrome; Hereditary Cancer Syndrome. Identifiers: Orphanet 140162, MedGen C0027672, MeSH D009386, MONDO:0015356.

Submission:

Ambry Genetics
Classification: Uncertain significance for Hereditary cancer-predisposing syndrome. Last evaluated: 2026-07-06. Review status: criteria provided, single submitter. Criteria: Ambry Variant Classification Scheme 2023. Collection method: clinical testing. Allele origin: germline.
Comment: The p.G20E variant (also known as c.59G>A), located in coding exon 1 of the PHOX2B gene, results from a G to A substitution at nucleotide position 59. The glycine at codon 20 is replaced by glutamic acid, an amino acid with similar properties. This amino acid position is conserved. In addition, this alteration is predicted to be deleterious by in silico analysis. Based on the available evidence, the clinical significance of this variant remains unclear.

NM_003924.4(PHOX2B):c.59G>A (p.Gly20Glu)

Genes: PHOX2B (paired like homeobox 2B; minus strand), PHOX2B-AS1 (PHOX2B antisense RNA 1; plus strand). Cytogenetic location: 4p13.
Variant type: single nucleotide variant.
Coding change: c.59G>A on transcript NM_003924.4 (MANE Select); coding-DNA position 59, G replaced by A.
Protein change: p.Gly20Glu; replaces glycine 20 with glutamic acid.
Molecular consequence: missense variant. On other transcripts: non-coding transcript variant (1).
Genome position (GRCh38, 1-based): chr4:41,748,552, C>T on the plus strand (G>A on the coding strand, the complement: PHOX2B is on the minus strand). VCF-style: chr4-41748552-C-T. GRCh37 (hg19) VCF-style: chr4-41750569-C-T.
Other names: short protein forms G20E.
Identifiers: ClinVar variation 5026557 (VCV005026557.1).